The following is an entry in ClinVar:

ClinVar aggregate classification (germline): Uncertain significance (1 of 4 stars; one submission).

Conditions:
Catecholaminergic polymorphic ventricular tachycardia 1. Also called: VENTRICULAR TACHYCARDIA, STRESS-INDUCED POLYMORPHIC 1; VENTRICULAR TACHYCARDIA, CATECHOLAMINERGIC POLYMORPHIC, 1, WITH OR WITHOUT ATRIAL DYSFUNCTION AND/OR DILATED CARDIOMYOPATHY; RYR2-Related Catecholaminergic Polymorphic Ventricular Tachycardia. Identifiers: Orphanet 3286, MedGen C1631597, MONDO:0011484, OMIM 604772.

Submission:

Labcorp Genetics (formerly Invitae), Labcorp
Classification: Uncertain significance for Catecholaminergic polymorphic ventricular tachycardia 1. Last evaluated: 2024-06-09. Review status: criteria provided, single submitter. Criteria: Invitae Variant Classification Sherloc (09022015). Collection method: clinical testing. Allele origin: germline.
Comment: This sequence change replaces serine, which is neutral and polar, with proline, which is neutral and non-polar, at codon 532 of the RYR2 protein (p.Ser532Pro). This variant is not present in population databases (gnomAD no frequency). This variant has not been reported in the literature in individuals affected with RYR2-related conditions. Advanced modeling of protein sequence and biophysical properties (such as structural, functional, and spatial information, amino acid conservation, physicochemical variation, residue mobility, and thermodynamic stability) performed at Invitae indicates that this missense variant is not expected to disrupt RYR2 protein function with a negative predictive value of 95%. In summary, the available evidence is currently insufficient to determine the role of this variant in disease. Therefore, it has been classified as a Variant of Uncertain Significance.

NM_001035.3(RYR2):c.1594T>C (p.Ser532Pro)

Gene: RYR2 (ryanodine receptor 2; plus strand). Cytogenetic location: 1q43.
Variant type: single nucleotide variant.
Coding change: c.1594T>C on transcript NM_001035.3 (MANE Select); coding-DNA position 1594, T replaced by C.
Protein change: p.Ser532Pro; replaces serine 532 with proline.
Molecular consequence: missense variant.
Genome position (GRCh38, 1-based): chr1:237,456,717, T>C. VCF-style: chr1-237456717-T-C. GRCh37 (hg19) VCF-style: chr1-237620017-T-C.
Other names: short protein forms S532P.
Identifiers: ClinVar variation 3606538 (VCV003606538.2).